The following is an entry in ClinVar:

NM_144643.4(SCLT1):c.1372C>G (p.Arg458Gly)

Gene: SCLT1 (sodium channel and clathrin linker 1; minus strand). Cytogenetic location: 4q28.2.
Variant type: single nucleotide variant.
Coding change: c.1372C>G on transcript NM_144643.4 (MANE Select); coding-DNA position 1372, C replaced by G.
Protein change: p.Arg458Gly; replaces arginine 458 with glycine.
Molecular consequence: missense variant.
Genome position (GRCh38, 1-based): chr4:128,946,074, G>C on the plus strand (C>G on the coding strand, the complement: SCLT1 is on the minus strand). VCF-style: chr4-128946074-G-C. GRCh37 (hg19) VCF-style: chr4-129867229-G-C.
Other names: short protein forms R458G.
Identifiers: ClinVar variation 1515994 (VCV001515994.8), dbSNP rs767602025, ClinGen allele CA358186532.
Genomic context (GRCh38, chr4:128,946,074, plus strand): 5'-CAAGTTGTTTTATTCTATTTTCTGCTCTCGTAAGTCTTAGCTGAAGATCATCTTTTGAAC[G>C]CTCTGAAACCAGGAATCTTTGGTGCATTTCTTCCAGTTTTCTGTAATCACTCTCATTTCC-3'
Protein context (NP_653244.2, residues 448-468): EMHQRFLVSE[Arg458Gly]SKDDLQLRLT

ClinVar aggregate classification (germline): Uncertain significance (1 of 4 stars; one submission).

gnomAD v4.1: 2 of 1,608,202 alleles (0.00012%); highest among the groups gnomAD compares: Admixed American, 0.0033%; no homozygotes.

Submission:

Labcorp Genetics (formerly Invitae), Labcorp
Classification: Uncertain significance. Last evaluated: 2021-03-11. Review status: criteria provided, single submitter. Criteria: Invitae Variant Classification Sherloc (09022015). Collection method: clinical testing. Allele origin: germline.
Comment: Algorithms developed to predict the effect of missense changes on protein structure and function are either unavailable or do not agree on the potential impact of this missense change (SIFT: "Deleterious"; PolyPhen-2: "Possibly Damaging"; Align-GVGD: "Class C0"). In summary, the available evidence is currently insufficient to determine the role of this variant in disease. Therefore, it has been classified as a Variant of Uncertain Significance. This sequence change replaces arginine with glycine at codon 458 of the SCLT1 protein (p.Arg458Gly). The arginine residue is highly conserved and there is a moderate physicochemical difference between arginine and glycine. This variant is not present in population databases (ExAC no frequency). This variant has not been reported in the literature in individuals with SCLT1-related conditions.